The following is an entry in ClinVar:

ClinVar aggregate classification (germline): Benign. Review status: criteria provided, multiple submitters, no conflicts (2 of 4 stars). 2 submissions from 2 submitters: Benign (2). Last evaluated 2018-01-12.

Conditions:
Palmoplantar keratoderma-esophageal carcinoma syndrome (TOC). Also called: KERATOSIS PALMARIS ET PLANTARIS WITH ESOPHAGEAL CANCER; PALMOPLANTAR KERATODERMA WITH ESOPHAGEAL CANCER; Tylosis with Esophageal Cancer. Identifiers: Orphanet 2198, MedGen C1835664, MONDO:0007856, OMIM 148500.

Allele frequency attached by ClinVar (database versions not stated): gnomAD 0.03469 and 0.03819; ExAC 0.03618; 1000 Genomes Project 30x 0.07121; gnomAD exomes 0.02612 and 0.04127; TOPMed 0.04025; ESP Exome Variant Server 0.02603; 1000 Genomes Project 0.07328.
gnomAD v4.1: 41,548 of 1,510,872 alleles (2.7%); highest among the groups gnomAD compares: South Asian, 12%; 1,389 homozygotes.

Submissions (2):

Illumina Laboratory Services, Illumina
Classification: Benign for Palmoplantar keratoderma-esophageal carcinoma syndrome. Last evaluated: 2018-01-12. Review status: criteria provided, single submitter. Criteria: ICSL Variant Classification Criteria 13 December 2019. Collection method: clinical testing. Allele origin: germline.
Comment: This variant was observed in the ICSL laboratory as part of a predisposition screen in an ostensibly healthy population. It had not been previously curated by ICSL or reported in the Human Gene Mutation Database (HGMD: prior to June 1st, 2018), and was therefore a candidate for classification through an automated scoring system. Utilizing variant allele frequency, disease prevalence and penetrance estimates, and inheritance mode, an automated score was calculated to assess if this variant is too frequent to cause the disease. Based on the score and internal cut-off values, a variant classified as benign is not then subjected to further curation. The score for this variant resulted in a classification of benign for this disease.

Breakthrough Genomics
Classification: Benign. Review status: criteria provided, single submitter. Criteria: ACMG Guidelines, 2015. Collection method: not provided. Allele origin: germline. Inheritance: Autosomal dominant inheritance. Affected: yes.

NM_001005498.4(RHBDF2):c.*51G>C

Gene: RHBDF2 (rhomboid 5 homolog 2; minus strand). Cytogenetic location: 17q25.1.
Variant type: single nucleotide variant.
Coding change: c.*51G>C on transcript NM_001005498.4 (MANE Select); 51 bases downstream of the stop codon, G replaced by C.
Molecular consequence: 3 prime UTR variant. On other transcripts: non-coding transcript variant (3).
Genome position (GRCh38, 1-based): chr17:76,471,582, C>G on the plus strand (G>C on the coding strand, the complement: RHBDF2 is on the minus strand). VCF-style: chr17-76471582-C-G. GRCh37 (hg19) VCF-style: chr17-74467664-C-G.
Other names: c.*51G>C (NM_001376228.1, NM_001376229.1, NM_001376230.1 and 1 more transcripts).
Identifiers: ClinVar variation 325419 (VCV000325419.6), dbSNP rs76764510, ClinGen allele CA8786651.